The following is an entry in ClinVar:

NM_000088.4(COL1A1):c.471+5G>A

Gene: COL1A1 (collagen type I alpha 1 chain; minus strand). Cytogenetic location: 17q21.33.
Variant type: single nucleotide variant.
Coding change: c.471+5G>A on transcript NM_000088.4 (MANE Select); 5 bases into the intron after coding-DNA position 471, G replaced by A.
Molecular consequence: intron variant.
Genome position (GRCh38, 1-based): chr17:50,199,221, C>T on the plus strand (G>A on the coding strand, the complement: COL1A1 is on the minus strand). VCF-style: chr17-50199221-C-T. GRCh37 (hg19) VCF-style: chr17-48276582-C-T.
Identifiers: ClinVar variation 1346489 (VCV001346489.9), dbSNP rs1555575015, ClinGen allele CA2573154234.
Genomic context (GRCh38, chr17:50,199,221, plus strand): 5'-ATGTCATCTGCCAAAAAACAAAAACAAAACAGGGGAGAGTGGACACACAAGGCCTCTCCA[C>T]TTACTCCTCCGAGGCCAGGGGGTCCGGGAGGTCCGGGGGGTCCGGGGGGTCCGGGAAGTC-3'

ClinVar aggregate classification (germline): Conflicting classifications of pathogenicity. Review status: criteria provided, conflicting classifications (1 of 4 stars). 2 submissions from 2 submitters: Pathogenic (1); Uncertain significance (1). Last evaluated 2024-10-26.

Conditions:
Osteogenesis imperfecta type I (OI1). Also called: Classic Non-deforming Osteogenesis Imperfecta with Blue Sclerae; Osteogenesis imperfecta type 1; OI, TYPE I; OSTEOGENESIS IMPERFECTA TARDA; OSTEOGENESIS IMPERFECTA WITH BLUE SCLERAE; Lobstein disease. Identifiers: Orphanet 216796, Orphanet 666, MedGen C0023931, MONDO:0008146, OMIM 166200. Disease mechanism: loss of function.
Osteogenesis imperfecta (OI). Identifiers: Orphanet 666, MedGen C0029434, MeSH D010013, MONDO:0019019.

Submissions (2):

Labcorp Genetics (formerly Invitae), Labcorp
Classification: Pathogenic for Osteogenesis imperfecta type I. Last evaluated: 2024-10-26. Review status: criteria provided, single submitter. Criteria: Invitae Variant Classification Sherloc (09022015). Collection method: clinical testing. Allele origin: germline.
Comment: This sequence change falls in intron 5 of the COL1A1 gene. It does not directly change the encoded amino acid sequence of the COL1A1 protein. It affects a nucleotide within the consensus splice site. This variant is not present in population databases (gnomAD no frequency). This variant has been observed in individual(s) with clinical features of osteogenesis imperfecta (internal data). In at least one individual the variant was observed to be de novo. ClinVar contains an entry for this variant (Variation ID: 1346489). Variants that disrupt the consensus splice site are a relatively common cause of aberrant splicing (PMID: 17576681, 9536098). Algorithms developed to predict the effect of sequence changes on RNA splicing suggest that this variant may disrupt the consensus splice site. For these reasons, this variant has been classified as Pathogenic.

Cambridge Genomics Laboratory, East Genomic Laboratory Hub, NHS Genomic Medicine Service
Classification: Uncertain significance for Osteogenesis imperfecta. Last evaluated: 2019-11-16. Review status: criteria provided, single submitter. Criteria: ACGS Best Practice Guidelines for Variant Classification in Rare Disease 2020. Collection method: clinical testing. Allele origin: germline. Inheritance: Autosomal dominant inheritance. Affected: yes. Observed: 1 variant allele.

Literature cited by the submitters: PubMed 17576681 (cited by Labcorp Genetics (formerly Invitae), Labcorp); PubMed 9536098 (cited by Labcorp Genetics (formerly Invitae), Labcorp).